The following is an entry in ClinVar:

ClinVar aggregate classification (germline): Conflicting classifications of pathogenicity. Review status: criteria provided, conflicting classifications (1 of 4 stars). 4 submissions from 4 submitters: Uncertain significance (2); Likely benign (1). 1 of the submissions does not count toward it. Last evaluated 2025-12-26.

Conditions:
Ehlers-Danlos syndrome, dermatosparaxis type. Also called: Dermatosparaxis; Ehlers-Danlos syndrome, type VII, autosomal recessive; EDS VIIC. Identifiers: Orphanet 1901, MedGen C2700425, MONDO:0009161, OMIM 225410.

Allele frequency attached by ClinVar (database versions not stated): ExAC 0.00001; gnomAD exomes 0.00001 and 0.00002; gnomAD 0.00002; TOPMed 0.00002.
gnomAD v4.1: 31 of 1,611,826 alleles (0.0019%); highest among the groups gnomAD compares: Middle Eastern, 0.016%; no homozygotes.

Submissions (4):

Women's Health and Genetics/Laboratory Corporation of America, LabCorp
Classification: Uncertain significance. Last evaluated: 2025-12-26. Review status: criteria provided, single submitter. Criteria: LabCorp Variant Classification Summary - May 2015. Collection method: clinical testing. Allele origin: germline.
Comment: Variant summary: ADAMTS2 c.653C>T (p.Ser218Phe) results in a non-conservative amino acid change in the encoded protein sequence. Algorithms developed to predict the effect of missense changes on protein structure and function are either unavailable or do not agree on the potential impact of this missense change. The variant allele was found at a frequency of 1.2e-05 in 249664 control chromosomes. The available data on variant occurrences in the general population are insufficient to allow any conclusion about variant significance. To our knowledge, no occurrence of c.653C>T in individuals affected with ADAMTS2-related conditions and no experimental evidence demonstrating its impact on protein function have been reported. ClinVar contains an entry for this variant (Variation ID: 1190452). Based on the evidence outlined above, the variant was classified as uncertain significance.

Mayo Clinic Laboratories, Mayo Clinic
Classification: Likely benign. Last evaluated: 2025-07-30. Review status: criteria provided, single submitter. Criteria: ACMG Guidelines, 2015. Collection method: clinical testing. Allele origin: germline. Observed: 1 variant allele.
Comment: BP1, BP4_moderate

GeneDx
Classification: Uncertain significance. Last evaluated: 2019-11-12. Review status: criteria provided, single submitter. Criteria: GeneDx Variant Classification Process June 2021. Collection method: clinical testing. Allele origin: germline. Affected: yes.
Comment: Not observed at a significant frequency in large population cohorts (Lek et al., 2016)

Natera, Inc.
Classification: Uncertain significance for Ehlers-Danlos syndrome type VIIC. Last evaluated: 2020-04-30. Review status: no assertion criteria provided. Collection method: clinical testing. Allele origin: germline. Not counted in ClinVar's aggregate classification.

NM_014244.5(ADAMTS2):c.653C>T (p.Ser218Phe)

Gene: ADAMTS2 (ADAM metallopeptidase with thrombospondin type 1 motif 2; minus strand). Cytogenetic location: 5q35.3.
Variant type: single nucleotide variant.
Coding change: c.653C>T on transcript NM_014244.5 (MANE Select); coding-DNA position 653, C replaced by T.
Protein change: p.Ser218Phe; replaces serine 218 with phenylalanine.
Molecular consequence: missense variant.
Genome position (GRCh38, 1-based): chr5:179,272,946, G>A on the plus strand (C>T on the coding strand, the complement: ADAMTS2 is on the minus strand). VCF-style: chr5-179272946-G-A. GRCh37 (hg19) VCF-style: chr5-178699947-G-A.
Other names: p.Ser218Phe; c.653C>T, p.Ser218Phe (NM_021599.4); short protein forms S218F.
Identifiers: ClinVar variation 1190452 (VCV001190452.5), dbSNP rs781630569, ClinGen allele CA3596243.
Genomic context (GRCh38, chr5:179,272,946, plus strand): 5'-GCCTGCCCACCTGCAGTAGCCTCACCTGTGTCCAGGGCCTGTGGCCCCCCGAGAGGAGGG[G>A]ACGTGGGTGGCCGGCGATACACCACATGCACACGGCCTTGCTCAGCCTCCTGCGCCGCCA-3'
Protein context (NP_055059.2, residues 208-228): VHVVYRRPPT[Ser218Phe]PPLGGPQALD